The following is an entry in ClinVar:

ClinVar aggregate classification (germline): Likely benign (1 of 4 stars; one submission).

Submission:

CeGaT Center for Human Genetics Tuebingen
Classification: Likely benign. Last evaluated: 2024-12-01. Review status: criteria provided, single submitter. Criteria: CeGaT Center For Human Genetics Tuebingen Variant Classification Criteria Version 2. Collection method: clinical testing. Allele origin: germline. Affected: yes. Observed: 1 variant allele.
Comment: GCDH: PM2:Supporting, BP4, BP7

NM_000159.4(GCDH):c.1227C>G (p.Ala409=)

Gene: GCDH (glutaryl-CoA dehydrogenase; plus strand). Cytogenetic location: 19p13.13.
Variant type: single nucleotide variant.
Coding change: c.1227C>G on transcript NM_000159.4 (MANE Select); coding-DNA position 1227, C replaced by G.
Protein change: p.Ala409=; no amino-acid change (alanine 409 retained).
Molecular consequence: synonymous variant. On other transcripts: non-coding transcript variant (2).
Genome position (GRCh38, 1-based): chr19:12,897,847, C>G. VCF-style: chr19-12897847-C-G. GRCh37 (hg19) VCF-style: chr19-13008661-C-G.
Other names: c.1227C>G, p.Ala409= (NM_013976.5).
Identifiers: ClinVar variation 3771854 (VCV003771854.13).